The following is an entry in ClinVar:

ClinVar aggregate classification (germline): Uncertain significance (1 of 4 stars; one submission).

Submission:

Ambry Genetics
Classification: Uncertain significance. Last evaluated: 2023-12-07. Review status: criteria provided, single submitter. Criteria: Ambry Variant Classification Scheme 2023. Collection method: clinical testing. Allele origin: germline.
Comment: The p.P850L variant (also known as c.2549C>T), located in coding exon 1 of the MLH3 gene, results from a C to T substitution at nucleotide position 2549. The proline at codon 850 is replaced by leucine, an amino acid with similar properties. This amino acid position is conserved. In addition, the in silico prediction for this alteration is inconclusive. Since supporting evidence is limited at this time, the clinical significance of this alteration remains unclear.

NM_001040108.2(MLH3):c.2549C>T (p.Pro850Leu)

Gene: MLH3 (mutL homolog 3; minus strand). Cytogenetic location: 14q24.3.
Variant type: single nucleotide variant.
Coding change: c.2549C>T on transcript NM_001040108.2 (MANE Select); coding-DNA position 2549, C replaced by T.
Protein change: p.Pro850Leu; replaces proline 850 with leucine.
Molecular consequence: missense variant.
Genome position (GRCh38, 1-based): chr14:75,047,107, G>A on the plus strand (C>T on the coding strand, the complement: MLH3 is on the minus strand). VCF-style: chr14-75047107-G-A. GRCh37 (hg19) VCF-style: chr14-75513810-G-A.
Other names: c.2549C>T, p.Pro850Leu (NM_014381.3); short protein forms P850L.
Identifiers: ClinVar variation 3232490 (VCV003232490.1), dbSNP rs2503267199, ClinGen allele CA390439905.